The following is an entry in ClinVar:

ClinVar aggregate classification (germline): Likely benign (1 of 4 stars; one submission).

gnomAD v4.1: 50 of 1,612,198 alleles (0.0031%); highest among the groups gnomAD compares: South Asian, 0.041%; no homozygotes.

Submission:

CeGaT Center for Human Genetics Tuebingen
Classification: Likely benign. Last evaluated: 2026-03-01. Review status: criteria provided, single submitter. Criteria: CeGaT Center For Human Genetics Tuebingen Variant Classification Criteria Version 2. Collection method: clinical testing. Allele origin: germline. Affected: yes. Observed: 1 variant allele.
Comment: ZFHX3: BS2

NM_006885.4(ZFHX3):c.3440C>T (p.Thr1147Met)

Gene: ZFHX3 (zinc finger homeobox 3; minus strand). Cytogenetic location: 16q22.3.
Variant type: single nucleotide variant.
Coding change: c.3440C>T on transcript NM_006885.4 (MANE Select); coding-DNA position 3440, C replaced by T.
Protein change: p.Thr1147Met; replaces threonine 1147 with methionine.
Molecular consequence: missense variant.
Genome position (GRCh38, 1-based): chr16:72,889,739, G>A on the plus strand (C>T on the coding strand, the complement: ZFHX3 is on the minus strand). VCF-style: chr16-72889739-G-A. GRCh37 (hg19) VCF-style: chr16-72923638-G-A.
Other names: c.698C>T, p.Thr233Met (NM_001164766.2); c.3440C>T, p.Thr1147Met (NM_001386735.1); short protein forms T1147M, T233M.
Identifiers: ClinVar variation 4821267 (VCV004821267.4).
Genomic context (GRCh38, chr16:72,889,739, plus strand): 5'-AGGTGAACACCCAGGCCCAACCTGGGCCTCCCATGCCTGTGAGACCACTCACCTGGGTCC[G>A]TGGAGGGGCACCTGCGGATGGTGAAGATCTGCCCCAGGTCCTCGTCCTCCTCTGGAAGGC-3'
Protein context (NP_008816.3, residues 1137-1157): QIFTIRRCPS[Thr1147Met]DPEEAIEDVE